The following is an entry in ClinVar:

ClinVar aggregate classification (germline): Uncertain significance (1 of 4 stars; one submission).

Allele frequency attached by ClinVar (database versions not stated): gnomAD exomes 0.00003 and 0.00006; TOPMed 0.00004; ExAC 0.00005; gnomAD 0.00007 and 0.00009.
gnomAD v4.1: 60 of 1,510,772 alleles (0.004%); highest among the groups gnomAD compares: Middle Eastern, 0.035%; no homozygotes.

Submission:

Labcorp Genetics (formerly Invitae), Labcorp
Classification: Uncertain significance. Last evaluated: 2026-01-29. Review status: criteria provided, single submitter. Criteria: Invitae Variant Classification Sherloc (09022015). Collection method: clinical testing. Allele origin: germline.
Comment: This sequence change replaces aspartic acid, which is acidic and polar, with glycine, which is neutral and non-polar, at codon 710 of the ERBIN protein (p.Asp710Gly). This variant is present in population databases (rs748137652, gnomAD 0.009%). This variant has not been reported in the literature in individuals affected with ERBIN-related conditions. ClinVar contains an entry for this variant (Variation ID: 1482980). An algorithm developed to predict the effect of missense changes on protein structure and function (PolyPhen-2) suggests that this variant is likely to be tolerated. In summary, the available evidence is currently insufficient to determine the role of this variant in disease. Therefore, it has been classified as a Variant of Uncertain Significance.

NM_001253697.2(ERBIN):c.2129A>G (p.Asp710Gly)

Gene: ERBIN (erbb2 interacting protein; plus strand). Cytogenetic location: 5q12.3.
Variant type: single nucleotide variant.
Coding change: c.2129A>G on transcript NM_001253697.2 (MANE Select); coding-DNA position 2129, A replaced by G.
Protein change: p.Asp710Gly; replaces aspartic acid 710 with glycine.
Molecular consequence: missense variant.
Genome position (GRCh38, 1-based): chr5:66,053,447, A>G. VCF-style: chr5-66053447-A-G. GRCh37 (hg19) VCF-style: chr5-65349275-A-G.
Other names: c.2129A>G, p.Asp710Gly (NM_001006600.3, NM_001253698.2, NM_001253699.2 and 1 more transcripts); c.2117A>G, p.Asp706Gly (NM_001253701.2); short protein forms D706G, D710G.
Identifiers: ClinVar variation 1482980 (VCV001482980.8), dbSNP rs748137652, ClinGen allele CA3286437.